The following is an entry in ClinVar:

ClinVar aggregate classification (germline): Conflicting classifications of pathogenicity. Review status: criteria provided, conflicting classifications (1 of 4 stars). 2 submissions from 2 submitters: Uncertain significance (1); Likely benign (1). Last evaluated 2025-09-29.

Conditions:
Hajdu-Cheney syndrome (HJCYS). Also called: ACROOSTEOLYSIS WITH OSTEOPOROSIS AND CHANGES IN SKULL AND MANDIBLE; SERPENTINE FIBULA-POLYCYSTIC KIDNEY SYNDROME; Acroosteolysis dominant type. Identifiers: Orphanet 955, MedGen C0917715, MONDO:0007057, OMIM 102500.
NOTCH2-related disorder. Also called: NOTCH2-related condition.

gnomAD v4.1: 12 of 1,608,512 alleles (0.00075%); highest among the groups gnomAD compares: South Asian, 0.0033%; no homozygotes.

Submissions (2):

Labcorp Genetics (formerly Invitae), Labcorp
Classification: Uncertain significance for Hajdu-Cheney syndrome. Last evaluated: 2025-09-29. Review status: criteria provided, single submitter. Criteria: Invitae Variant Classification Sherloc (09022015). Collection method: clinical testing. Allele origin: germline.
Comment: This sequence change affects codon 1305 of the NOTCH2 mRNA. It is a 'silent' change, meaning that it does not change the encoded amino acid sequence of the NOTCH2 protein. This variant is not present in population databases (gnomAD no frequency). This variant has not been reported in the literature in individuals affected with NOTCH2-related conditions. Algorithms developed to predict the effect of sequence changes on RNA splicing suggest that this variant may disrupt the consensus splice site. In summary, the available evidence is currently insufficient to determine the role of this variant in disease. Therefore, it has been classified as a Variant of Uncertain Significance.

PreventionGenetics, part of Exact Sciences
Classification: Likely benign for NOTCH2-related condition. Last evaluated: 2025-04-14. Review status: criteria provided, single submitter. Criteria: ACMG Guidelines, 2015. Collection method: clinical testing. Allele origin: germline.
Comment: This variant is classified as likely benign based on ACMG/AMP sequence variant interpretation guidelines (Richards et al. 2015 PMID: 25741868, with internal and published modifications).

NM_024408.4(NOTCH2):c.3915C>T (p.Val1305=)

Gene: NOTCH2 (notch receptor 2; minus strand). Cytogenetic location: 1p12.
Variant type: single nucleotide variant.
Coding change: c.3915C>T on transcript NM_024408.4 (MANE Select); coding-DNA position 3915, C replaced by T.
Protein change: p.Val1305=; no amino-acid change (valine 1305 retained).
Molecular consequence: synonymous variant.
Genome position (GRCh38, 1-based): chr1:119,926,589, G>A on the plus strand (C>T on the coding strand, the complement: NOTCH2 is on the minus strand). VCF-style: chr1-119926589-G-A. GRCh37 (hg19) VCF-style: chr1-120469212-G-A.
Other names: c.3915C>T (NM_024408.3).
Identifiers: ClinVar variation 4798375 (VCV004798375.2).